The following is an entry in ClinVar:

NM_006421.5(ARFGEF1):c.2719AGA[1] (p.Arg908del)

Gene: ARFGEF1 (ARF guanine nucleotide exchange factor 1; minus strand). Cytogenetic location: 8q13.2.
Variant type: Microsatellite.
Coding change: c.2719AGA[1] on transcript NM_006421.5 (MANE Select); one copy of the 3-base unit AGA starting at c.2719; the reference has two copies in a row; one copy, 3 bases deleted.
Protein change: p.Arg908del; deletes arginine 908.
Molecular consequence: non-coding transcript variant (on NR_182117.1).
Genome position (GRCh38, 1-based): chr8:67,251,425-67,251,427, TCT deleted on the plus strand (AGA on the coding strand, the reverse complement: ARFGEF1 is on the minus strand); deleting any 3 consecutive bases within chr8:67,251,425-67,251,431 gives the same sequence; the position shown is the placement nearest the transcript's 3' end. VCF-style (leftmost placement, unchanged base first): chr8-67251424-GTCT-G. GRCh37 (hg19) VCF-style: chr8-68163659-GTCT-G.
Other names: c.2719AGA[1], p.Arg908del (NM_001413184.1, NM_001413185.1, NM_001413186.1 and 6 more transcripts); c.2119AGA[1], p.Arg708del (NM_001413188.1, NM_001413193.1, NM_001413197.1); c.2713AGA[1], p.Arg906del (NM_001413190.1); c.1294AGA[1], p.Arg433del (NM_001413196.1); short protein forms R433del, R708del, R906del, R908del.
Identifiers: ClinVar variation 3364309 (VCV003364309.2).

ClinVar aggregate classification (germline): Uncertain significance (1 of 4 stars; one submission).

Submission:

GeneDx
Classification: Uncertain significance. Last evaluated: 2026-01-20. Review status: criteria provided, single submitter. Criteria: GeneDx Variant Classification Process June 2021. Collection method: clinical testing. Allele origin: germline.
Comment: Not observed at significant frequency in large population cohorts (gnomAD); In-frame deletion of 1 amino acid in a non-repeat region; In silico analysis supports a deleterious effect on protein structure/function; Has not been previously published as pathogenic or benign to our knowledge